The following is an entry in ClinVar:

NM_001323289.2(CDKL5):c.2318A>G (p.Glu773Gly)

Gene: CDKL5 (cyclin dependent kinase like 5; plus strand). Cytogenetic location: Xp22.13.
Variant type: single nucleotide variant.
Coding change: c.2318A>G on transcript NM_001323289.2 (MANE Select); coding-DNA position 2318, A replaced by G.
Protein change: p.Glu773Gly; replaces glutamic acid 773 with glycine.
Molecular consequence: missense variant.
Genome position (GRCh38, 1-based): chrX:18,619,908, A>G. VCF-style: chrX-18619908-A-G. GRCh37 (hg19) VCF-style: chrX-18638028-A-G.
Other names: NM_001323289.2(CDKL5):c.2318A>G; p.Glu773Gly; c.2318A>G, p.Glu773Gly (NM_001037343.2, NM_003159.3); short protein forms E773G.
Identifiers: ClinVar variation 982587 (VCV000982587.6), dbSNP rs1218990219, ClinGen allele CA412363511.
Genomic context (GRCh38, chrX:18,619,908, plus strand): 5'-AAAATGTCTTCTCATTTAGGAAAAGTCCTGAAAATATTAGTCATTCAGAGCAACTCAAGG[A>G]AAAAGAGAAGCAAGGATTTTTCAGGTCAATGAAAAAGAAAAAGAAGAAATCTCAAACAGT-3'
Protein context (NP_001310218.1, residues 763-783): ENISHSEQLK[Glu773Gly]KEKQGFFRSM

ClinVar aggregate classification (germline): Likely benign. Review status: reviewed by expert panel (3 of 4 stars). 4 submissions from 4 submitters: Likely benign (1). 3 of the submissions do not count toward it. Last evaluated 2023-06-22.

Conditions:
Inborn genetic diseases. Identifiers: MedGen C0950123, MeSH D030342.
Developmental and epileptic encephalopathy, 2 (DEE2). Also called: CDKL5 deficiency disorder; INFANTILE SPASM SYNDROME, X-LINKED 2. Identifiers: Orphanet 1934, Orphanet 3451, Orphanet 505652, MedGen C4750718, MONDO:0010396, OMIM 300672.
CDKL5 disorder. Identifiers: MedGen CN296942, MONDO:0100039.

Allele frequency attached by ClinVar (database versions not stated): gnomAD exomes 0.00001; TOPMed 0.00002.
gnomAD v4.1: 1 of 1,204,424 alleles (0.000083%); no homozygotes.

Submissions (4):

ClinGen Rett and Angelman-like Disorders Variant Curation Expert Panel
Classification: Likely benign for CDKL5 disorder. Last evaluated: 2023-06-22. Review status: reviewed by expert panel. Criteria: ClinGen RettAS ACMG Specifications CDKL5 V3.0.0. Collection method: curation. Allele origin: germline. Inheritance: X-linked inheritance.
Comment: The allele frequency of the c.2318A>G p.Glu773Gly variant in CDKL5 (NM_001323289.2) is 0.008% in the African/African American sub population in gnomAD, which is high enough to meet the BS1 criteria based on thresholds defined by the ClinGen Rett/Angelman-like Expert Panel for Rett/AS-like conditions (BS1). The p.Glu773Gly variant is observed in at least 1 unaffected individual (GeneDx internal data) (BS2_Supporting). Computational prediction analysis tools are inconclusive for this variant (criteria not met). In summary, the c.2318A>G p.Glu773Gly variant in CDKL5 is classified as Likely Benign based on the ACMG/AMP criteria (BS1, BS2_Supporting).

Ambry Genetics
Classification: Uncertain significance for Inborn genetic diseases. Last evaluated: 2025-01-16. Review status: criteria provided, single submitter. Criteria: Ambry Variant Classification Scheme 2023. Collection method: clinical testing. Allele origin: germline. Not counted in ClinVar's aggregate classification.

GeneDx
Classification: Likely benign. Last evaluated: 2020-12-28. Review status: criteria provided, single submitter. Criteria: GeneDx Variant Classification Process June 2021. Collection method: clinical testing. Allele origin: germline. Affected: yes. Not counted in ClinVar's aggregate classification.
Comment: In silico analysis supports that this missense variant does not alter protein structure/function; Has not been previously published as pathogenic or benign to our knowledge

Institute of Human Genetics, University of Leipzig Medical Center
Classification: Uncertain significance for Developmental and epileptic encephalopathy, 2. Last evaluated: 2019-01-01. Review status: criteria provided, single submitter. Criteria: ACMG Guidelines, 2015. Collection method: clinical testing. Allele origin: unknown. Affected: yes. Not counted in ClinVar's aggregate classification.